The following is an entry in ClinVar:

NM_000051.4(ATM):c.2841T>C (p.Tyr947=)

Gene: ATM (ATM serine/threonine kinase; plus strand). Cytogenetic location: 11q22.3.
Variant type: single nucleotide variant.
Coding change: c.2841T>C on transcript NM_000051.4 (MANE Select); coding-DNA position 2841, T replaced by C.
Protein change: p.Tyr947=; no amino-acid change (tyrosine 947 retained).
Molecular consequence: synonymous variant.
Genome position (GRCh38, 1-based): chr11:108,271,066, T>C. VCF-style: chr11-108271066-T-C. GRCh37 (hg19) VCF-style: chr11-108141793-T-C.
Other names: c.2841T>C, p.Tyr947= (NM_001351834.2).
Identifiers: ClinVar variation 630552 (VCV000630552.14), dbSNP rs1167845678, ClinGen allele CA476674118.

ClinVar aggregate classification (germline): Benign/Likely benign. Review status: criteria provided, multiple submitters, no conflicts (2 of 4 stars). 4 submissions from 4 submitters: Benign (1); Likely benign (3). Last evaluated 2025-07-31.

Conditions:
Familial cancer of breast. Also called: BREAST CANCER, FAMILIAL; hereditary breast carcinoma; Hereditary breast cancer. Identifiers: Orphanet 227535, MedGen C0346153, MONDO:0016419, OMIM 114480. Disease mechanism: loss of function.
Ataxia-telangiectasia syndrome (AT). Also called: Ataxia-telangiectasia, complementation group D; AT, COMPLEMENTATION GROUP C; Ataxia-telangiectasia; ATAXIA-TELANGIECTASIA, COMPLEMENTATION GROUP A; ATAXIA-TELANGIECTASIA, FRESNO VARIANT; LOUIS-BAR SYNDROME. Identifiers: Orphanet 100, MedGen C0004135, MONDO:0008840, OMIM 208900.
Hereditary cancer-predisposing syndrome. Also called: Hereditary Cancer Syndrome; Neoplastic Syndromes, Hereditary; Tumor predisposition; Hereditary neoplastic syndrome. Identifiers: Orphanet 140162, MedGen C0027672, MeSH D009386, MONDO:0015356.

Allele frequency attached by ClinVar (database versions not stated): gnomAD exomes below 0.00001; TOPMed 0.00002.
gnomAD v4.1: 1 of 1,613,534 alleles (0.000062%); highest among the groups gnomAD compares: East Asian, 0.0022%; no homozygotes.

Submissions (4):

Labcorp Genetics (formerly Invitae), Labcorp
Classification: Likely benign for Ataxia-telangiectasia syndrome. Last evaluated: 2025-07-31. Review status: criteria provided, single submitter. Criteria: Invitae Variant Classification Sherloc (09022015). Collection method: clinical testing. Allele origin: germline.

Myriad Genetics, Inc.
Classification: Benign for Familial cancer of breast. Last evaluated: 2024-05-10. Review status: criteria provided, single submitter. Criteria: Myriad Autosomal Dominant, Autosomal Recessive and X-Linked Classification Criteria (2023). Collection method: clinical testing. Allele origin: unknown.
Comment: This variant is considered benign. This variant is a silent/synonymous amino acid change and it is not expected to impact splicing.

Ambry Genetics
Classification: Likely benign for Hereditary cancer-predisposing syndrome. Last evaluated: 2021-07-06. Review status: criteria provided, single submitter. Criteria: Ambry Variant Classification Scheme 2023. Collection method: clinical testing. Allele origin: germline.

Color Diagnostics, LLC DBA Color Health
Classification: Likely benign for Hereditary cancer-predisposing syndrome. Last evaluated: 2018-06-11. Review status: criteria provided, single submitter. Criteria: ACMG Guidelines, 2015. Collection method: clinical testing. Allele origin: germline.